The following is an entry in ClinVar:

NM_015072.5(TTLL5):c.787C>T (p.Gln263Ter)

Gene: TTLL5 (tubulin tyrosine ligase like 5; plus strand). Cytogenetic location: 14q24.3.
Variant type: single nucleotide variant.
Coding change: c.787C>T on transcript NM_015072.5 (MANE Select); coding-DNA position 787, C replaced by T.
Protein change: p.Gln263Ter; replaces glutamine 263 with a stop codon.
Molecular consequence: nonsense.
Genome position (GRCh38, 1-based): chr14:75,717,907, C>T. VCF-style: chr14-75717907-C-T. GRCh37 (hg19) VCF-style: chr14-76184250-C-T.
Other names: short protein forms Q263*.
Identifiers: ClinVar variation 3650429 (VCV003650429.3).

ClinVar aggregate classification (germline): Pathogenic/Likely pathogenic. Review status: criteria provided, multiple submitters, no conflicts (2 of 4 stars). 2 submissions from 2 submitters: Pathogenic (1); Likely pathogenic (1). Last evaluated 2024-04-19.

Conditions:
TTLL5-related disorder. Also called: TTLL5-related condition.

Submissions (2):

Labcorp Genetics (formerly Invitae), Labcorp
Classification: Pathogenic. Last evaluated: 2024-04-19. Review status: criteria provided, single submitter. Criteria: Invitae Variant Classification Sherloc (09022015). Collection method: clinical testing. Allele origin: germline.
Comment: This sequence change creates a premature translational stop signal (p.Gln263*) in the TTLL5 gene. It is expected to result in an absent or disrupted protein product. Loss-of-function variants in TTLL5 are known to be pathogenic (PMID: 24791901, 27162334). This variant is not present in population databases (gnomAD no frequency). This variant has not been reported in the literature in individuals affected with TTLL5-related conditions. For these reasons, this variant has been classified as Pathogenic.

Blueprint Genetics
Classification: Likely pathogenic for TTLL5-related disorders. Last evaluated: 2022-08-24. Review status: criteria provided, single submitter. Criteria: ACMG Guidelines, 2015. Collection method: clinical testing. Allele origin: germline. Affected: yes. Observed: 1 variant allele.

Literature cited by the submitters: PubMed 24791901 (cited by Labcorp Genetics (formerly Invitae), Labcorp); PubMed 27162334 (cited by Labcorp Genetics (formerly Invitae), Labcorp).